The following is an entry in ClinVar:

ClinVar aggregate classification (germline): Uncertain significance. Review status: criteria provided, multiple submitters, no conflicts (2 of 4 stars). 4 submissions from 4 submitters: Uncertain significance (3). 1 of the submissions does not count toward it. Last evaluated 2025-04-28.

Conditions:
Inborn genetic diseases. Identifiers: MedGen C0950123, MeSH D030342.
Fanconi anemia complementation group A (FANCA). Also called: FANCA-Related Fanconi Anemia; Fanconi anemia, group A. Identifiers: Orphanet 84, MedGen C3469521, MONDO:0009215, OMIM 227650.
Fanconi anemia (FA). Also called: Fanconi's anemia. Identifiers: Orphanet 84, MedGen C0015625, MeSH D005199, MONDO:0019391.

Allele frequency attached by ClinVar (database versions not stated): gnomAD 0.00001; gnomAD exomes 0.00001 and 0.00002; TOPMed 0.00001; ExAC 0.00004.
gnomAD v4.1: 16 of 1,614,026 alleles (0.00099%); highest among the groups gnomAD compares: Admixed American, 0.0017%; no homozygotes.

Submissions (4):

Ambry Genetics
Classification: Uncertain significance for Inborn genetic diseases. Last evaluated: 2025-04-28. Review status: criteria provided, single submitter. Criteria: Ambry Variant Classification Scheme 2023. Collection method: clinical testing. Allele origin: germline.
Comment: The p.D1250E variant (also known as c.3750C>G), located in coding exon 37 of the FANCA gene, results from a C to G substitution at nucleotide position 3750. The aspartic acid at codon 1250 is replaced by glutamic acid, an amino acid with highly similar properties. This amino acid position is conserved. In addition, this alteration is predicted to be tolerated by in silico analysis. Based on the available evidence, the clinical significance of this variant remains unclear.

Labcorp Genetics (formerly Invitae), Labcorp
Classification: Uncertain significance for Fanconi anemia. Last evaluated: 2022-03-07. Review status: criteria provided, single submitter. Criteria: Invitae Variant Classification Sherloc (09022015). Collection method: clinical testing. Allele origin: germline.
Comment: This sequence change replaces aspartic acid, which is acidic and polar, with glutamic acid, which is acidic and polar, at codon 1250 of the FANCA protein (p.Asp1250Glu). This variant is present in population databases (rs777313447, gnomAD 0.004%). This variant has not been reported in the literature in individuals affected with FANCA-related conditions. ClinVar contains an entry for this variant (Variation ID: 936902). Advanced modeling of protein sequence and biophysical properties (such as structural, functional, and spatial information, amino acid conservation, physicochemical variation, residue mobility, and thermodynamic stability) performed at Invitae indicates that this missense variant is not expected to disrupt FANCA protein function. In summary, the available evidence is currently insufficient to determine the role of this variant in disease. Therefore, it has been classified as a Variant of Uncertain Significance.

Baylor Genetics
Classification: Uncertain significance for Fanconi anemia complementation group A. Last evaluated: 2019-01-28. Review status: criteria provided, single submitter. Criteria: ACMG Guidelines, 2015. Collection method: clinical testing. Allele origin: unknown. Affected: yes. Study: CSER-TexasKidsCanSeq.
Comment: This variant was determined to be of uncertain significance according to ACMG Guidelines, 2015 [PMID:25741868].

Natera, Inc.
Classification: Uncertain significance for Fanconi anemia. Last evaluated: 2020-07-28. Review status: no assertion criteria provided. Collection method: clinical testing. Allele origin: germline. Not counted in ClinVar's aggregate classification.

NM_000135.4(FANCA):c.3750C>G (p.Asp1250Glu)

Gene: FANCA (FA complementation group A; minus strand). Cytogenetic location: 16q24.3.
Variant type: single nucleotide variant.
Coding change: c.3750C>G on transcript NM_000135.4 (MANE Select); coding-DNA position 3750, C replaced by G.
Protein change: p.Asp1250Glu; replaces aspartic acid 1250 with glutamic acid.
Molecular consequence: missense variant.
Genome position (GRCh38, 1-based): chr16:89,742,815, G>C on the plus strand (C>G on the coding strand, the complement: FANCA is on the minus strand). VCF-style: chr16-89742815-G-C. GRCh37 (hg19) VCF-style: chr16-89809223-G-C.
Other names: c.3750C>G, p.Asp1250Glu (NM_001286167.3); short protein forms D1250E.
Identifiers: ClinVar variation 936902 (VCV000936902.12), dbSNP rs777313447, ClinGen allele CA8251004.